The following is an entry in ClinVar:

ClinVar aggregate classification (germline): Uncertain significance (1 of 4 stars; one submission).

Allele frequency attached by ClinVar (database versions not stated): gnomAD 0.00001; gnomAD exomes 0.00001; TOPMed 0.00003.
gnomAD v4.1: 13 of 1,603,212 alleles (0.00081%); highest among the groups gnomAD compares: Admixed American, 0.0034%; no homozygotes.

Submission:

Labcorp Genetics (formerly Invitae), Labcorp
Classification: Uncertain significance. Last evaluated: 2024-09-26. Review status: criteria provided, single submitter. Criteria: Invitae Variant Classification Sherloc (09022015). Collection method: clinical testing. Allele origin: germline.
Comment: This sequence change falls in intron 8 of the CEP97 gene. It does not directly change the encoded amino acid sequence of the CEP97 protein. This variant is not present in population databases (gnomAD no frequency). This variant has not been reported in the literature in individuals affected with CEP97-related conditions. Algorithms developed to predict the effect of sequence changes on RNA splicing suggest that this variant may disrupt the consensus splice site. In summary, the available evidence is currently insufficient to determine the role of this variant in disease. Therefore, it has been classified as a Variant of Uncertain Significance.

NM_024548.4(CEP97):c.1028-13T>C

Gene: CEP97 (centrosomal protein 97; plus strand). Cytogenetic location: 3q12.3.
Variant type: single nucleotide variant.
Coding change: c.1028-13T>C on transcript NM_024548.4 (MANE Select); 13 bases into the intron before coding-DNA position 1028, T replaced by C.
Molecular consequence: intron variant.
Genome position (GRCh38, 1-based): chr3:101,757,621, T>C. VCF-style: chr3-101757621-T-C. GRCh37 (hg19) VCF-style: chr3-101476465-T-C.
Other names: c.1028-190T>C (NM_001303401.2); c.926-13T>C (NM_001410784.1); c.926-190T>C (NM_001410785.1).
Identifiers: ClinVar variation 2956196 (VCV002956196.3), dbSNP rs1388953804, ClinGen allele CA545494852.